The following is an entry in ClinVar:

NM_001308093.3(GATA4):c.525_533dup (p.Ala177_Ala179dup)

Gene: GATA4 (GATA binding protein 4). Cytogenetic location: 8p23.1.
Variant type: Duplication.
Coding change: c.525_533dup on transcript NM_001308093.3 (MANE Select); coding-DNA positions 525 to 533, 9 bases duplicated.
Protein change: p.Ala177_Ala179dup.
Molecular consequence: inframe insertion. On other transcripts: intron variant (3).
Genome position: GRCh38 VCF-style: chr8-11708831-G-GGCCGCAGCC. GRCh37 (hg19) VCF-style: chr8-11566340-G-GGCCGCAGCC.
Other names: c.525_533dup, p.Ala177_Ala179dup (NM_002052.5); c.-6+8059_-6+8067dup (NM_001308094.2); c.-3+823_-3+831dup (NM_001374274.1); c.-3+4533_-3+4541dup (NM_001374273.1).
Identifiers: ClinVar variation 1025037 (VCV001025037.10), dbSNP rs1372778585, ClinGen allele CA580031685.
Genomic context (GRCh38, chr8:11,708,831, plus strand): 5'-CTTCGCGGGCTCCTACTCCAGCCCCTACCCGGCTTACATGGCCGACGTGGGCGCGTCCTG[G>GGCCGCAGCC]GCCGCAGCCGCCGCCGCCTCCGCCGGCCCCTTCGACAGCCCGGTCCTGCACAGCCTGCCC-3'

ClinVar aggregate classification (germline): Uncertain significance. Review status: criteria provided, multiple submitters, no conflicts (2 of 4 stars). 2 submissions from 2 submitters: Uncertain significance (2). Last evaluated 2026-10-01.

Conditions:
Atrioventricular septal defect 4 (AVSD4). Identifiers: MedGen C3280781, MONDO:0013747, OMIM 614430.

Submissions (2):

GeneDx
Classification: Uncertain significance. Last evaluated: 2026-10-01. Review status: criteria provided, single submitter. Criteria: GeneDx Variant Classification Process June 2021. Collection method: clinical testing. Allele origin: germline.
Comment: Has not been previously published as pathogenic or benign to our knowledge; In-frame duplication of three amino acids in a repetitive region with no known function

Labcorp Genetics (formerly Invitae), Labcorp
Classification: Uncertain significance for Atrioventricular septal defect 4. Last evaluated: 2024-10-19. Review status: criteria provided, single submitter. Criteria: Invitae Variant Classification Sherloc (09022015). Collection method: clinical testing. Allele origin: germline.
Comment: This variant, c.525_533dup, results in the insertion of 3 amino acid(s) of the GATA4 protein (p.Ala177_Ala179dup), but otherwise preserves the integrity of the reading frame. This variant is present in population databases (no rsID available, gnomAD 0.02%). This variant has not been reported in the literature in individuals affected with GATA4-related conditions. ClinVar contains an entry for this variant (Variation ID: 1025037). Experimental studies and prediction algorithms are not available or were not evaluated, and the functional significance of this variant is currently unknown. In summary, the available evidence is currently insufficient to determine the role of this variant in disease. Therefore, it has been classified as a Variant of Uncertain Significance.